The following is an entry in ClinVar:

NM_007294.4(BRCA1):c.2818G>C (p.Asp940His)

Gene: BRCA1 (BRCA1 DNA repair associated; minus strand). Cytogenetic location: 17q21.31.
Variant type: single nucleotide variant.
Coding change: c.2818G>C on transcript NM_007294.4 (MANE Select); coding-DNA position 2818, G replaced by C.
Protein change: p.Asp940His; replaces aspartic acid 940 with histidine.
Molecular consequence: missense variant. On other transcripts: intron variant (137).
Genome position (GRCh38, 1-based): chr17:43,092,713, C>G on the plus strand (G>C on the coding strand, the complement: BRCA1 is on the minus strand). VCF-style: chr17-43092713-C-G. GRCh37 (hg19) VCF-style: chr17-41244730-C-G.
Other names: c.2605G>C, p.Asp869His (NM_001407571.1, NM_001407853.1, NM_001407894.1 and 9 more transcripts); c.2818G>C, p.Asp940His (NM_001407581.1, NM_001407582.1, NM_001407583.1 and 30 more transcripts); c.2815G>C, p.Asp939His (NM_001407587.1, NM_001407590.1, NM_001407591.1 and 22 more transcripts); c.788-1681G>C (NM_001407980.1, NM_001407993.1, NM_001407976.1 and 17 more transcripts); c.653-1681G>C (NM_001408451.1); c.644-1681G>C (NM_001408464.1, NM_001408468.1, NM_001408465.1 and 3 more transcripts); c.524-1681G>C (NM_001408498.1, NM_001408501.1, NM_001408500.1 and 3 more transcripts); c.647-1681G>C (NM_001408467.1, NM_001408459.1, NM_001408455.1 and 11 more transcripts); and 41 more; short protein forms D940H, D893H, D772H, D852H, D913H, D937H, D828H, D898H.
Identifiers: ClinVar variation 630900 (VCV000630900.12), dbSNP rs80357077, ClinGen allele CA10596356.

ClinVar aggregate classification (germline): Conflicting classifications of pathogenicity. Review status: criteria provided, conflicting classifications (1 of 4 stars). 3 submissions from 3 submitters: Uncertain significance (2); Likely benign (1). Last evaluated 2023-03-23.

Conditions:
Hereditary cancer-predisposing syndrome. Also called: Tumor predisposition; Neoplastic Syndromes, Hereditary; Hereditary neoplastic syndrome; Hereditary Cancer Syndrome. Identifiers: Orphanet 140162, MedGen C0027672, MeSH D009386, MONDO:0015356.
Hereditary breast ovarian cancer syndrome. Also called: Hereditary breast and ovarian cancer; Hereditary breast and ovarian cancer syndrome (HBOC); Breast and ovarian cancer; Hereditary breast and ovarian cancer syndrome; BRCA1- and BRCA2-Associated Hereditary Breast and Ovarian Cancer; Hereditary breast and/or ovarian cancer syndrome. Identifiers: Orphanet 145, MedGen C0677776, MeSH D061325, MONDO:0003582. Disease mechanism: loss of function.

Submissions (3):

University of Washington Department of Laboratory Medicine, University of Washington
Classification: Likely benign for Hereditary cancer-predisposing syndrome. Last evaluated: 2023-03-23. Review status: criteria provided, single submitter. Criteria: Dines et al. (Genet Med. 2020). Collection method: curation. Allele origin: germline.
Comment: Missense variant in a coldspot region where missense variants are very unlikely to be pathogenic (PMID:31911673).

BRCA1 coldspot (exon 11 using historical exon numbering). Reclassification based on statistical prior probability

Labcorp Genetics (formerly Invitae), Labcorp
Classification: Uncertain significance for Hereditary breast ovarian cancer syndrome. Last evaluated: 2021-11-22. Review status: criteria provided, single submitter. Criteria: Invitae Variant Classification Sherloc (09022015). Collection method: clinical testing. Allele origin: germline.
Comment: This variant has not been reported in the literature in individuals affected with BRCA1-related conditions. In summary, the available evidence is currently insufficient to determine the role of this variant in disease. Therefore, it has been classified as a Variant of Uncertain Significance. Advanced modeling of protein sequence and biophysical properties (such as structural, functional, and spatial information, amino acid conservation, physicochemical variation, residue mobility, and thermodynamic stability) performed at Invitae indicates that this missense variant is not expected to disrupt BRCA1 protein function. ClinVar contains an entry for this variant (Variation ID: 630900). This variant is not present in population databases (gnomAD no frequency). This sequence change replaces aspartic acid, which is acidic and polar, with histidine, which is basic and polar, at codon 940 of the BRCA1 protein (p.Asp940His).

Color Diagnostics, LLC DBA Color Health
Classification: Uncertain significance for Hereditary cancer-predisposing syndrome. Last evaluated: 2019-05-30. Review status: criteria provided, single submitter. Criteria: ACMG Guidelines, 2015. Collection method: clinical testing. Allele origin: germline.